The following is an entry in ClinVar:

ClinVar aggregate classification (germline): Uncertain significance (1 of 4 stars; one submission).

Conditions:
Inborn genetic diseases. Identifiers: MedGen C0950123, MeSH D030342.

Allele frequency attached by ClinVar (database versions not stated): gnomAD 0.00001; TOPMed 0.00001.
gnomAD v4.1: 3 of 1,605,508 alleles (0.00019%); highest among the groups gnomAD compares: African/African-American, 0.004%; no homozygotes.

Submission:

Ambry Genetics
Classification: Uncertain significance for Inborn genetic diseases. Last evaluated: 2021-01-13. Review status: criteria provided, single submitter. Criteria: Ambry Variant Classification Scheme 2023. Collection method: clinical testing. Allele origin: germline.
Comment: The c.2472G>C (p.Q824H) alteration is located in exon 14 (coding exon 13) of the SPTBN2 gene. This alteration results from a G to C substitution at nucleotide position 2472, causing the glutamine (Q) at amino acid position 824 to be replaced by a histidine (H). The p.Q824H alteration is predicted to be tolerated by in silico analysis. Based on insufficient or conflicting evidence, the clinical significance of this alteration remains unclear.

NM_006946.4(SPTBN2):c.2472G>C (p.Gln824His)

Gene: SPTBN2 (spectrin beta, non-erythrocytic 2; minus strand). Cytogenetic location: 11q13.2.
Variant type: single nucleotide variant.
Coding change: c.2472G>C on transcript NM_006946.4 (MANE Select); coding-DNA position 2472, G replaced by C.
Protein change: p.Gln824His; replaces glutamine 824 with histidine.
Molecular consequence: missense variant.
Genome position (GRCh38, 1-based): chr11:66,704,804, C>G on the plus strand (G>C on the coding strand, the complement: SPTBN2 is on the minus strand). VCF-style: chr11-66704804-C-G. GRCh37 (hg19) VCF-style: chr11-66472275-C-G.
Other names: c.2493G>C, p.Gln831His (NM_001411025.1); short protein forms Q831H, Q824H.
Identifiers: ClinVar variation 2228656 (VCV002228656.2), dbSNP rs913464511, ClinGen allele CA224085715.